The following is an entry in ClinVar:

ClinVar aggregate classification (germline): Uncertain significance (1 of 4 stars; one submission).

Conditions:
Long QT syndrome (LQTS). Identifiers: MedGen C0023976, MeSH D008133, MONDO:0002442. Disease mechanism: loss of function. Inheritance: Various modes of inheritance.

Allele frequency attached by ClinVar (database versions not stated): gnomAD exomes below 0.00001.
gnomAD v4.1: 4 of 1,593,184 alleles (0.00025%); highest among the groups gnomAD compares: African/African-American, 0.0027%; no homozygotes.

Submission:

Labcorp Genetics (formerly Invitae), Labcorp
Classification: Uncertain significance for Long QT syndrome. Last evaluated: 2024-06-05. Review status: criteria provided, single submitter. Criteria: Invitae Variant Classification Sherloc (09022015). Collection method: clinical testing. Allele origin: germline.
Comment: This sequence change replaces arginine, which is basic and polar, with cysteine, which is neutral and slightly polar, at codon 507 of the CACNA1C protein (p.Arg507Cys). The frequency data for this variant in the population databases is considered unreliable, as metrics indicate poor data quality at this position in the gnomAD database. This variant has not been reported in the literature in individuals affected with CACNA1C-related conditions. ClinVar contains an entry for this variant (Variation ID: 2191044). Advanced modeling of protein sequence and biophysical properties (such as structural, functional, and spatial information, amino acid conservation, physicochemical variation, residue mobility, and thermodynamic stability) has been performed at Invitae for this missense variant, however the output from this modeling did not meet the statistical confidence thresholds required to predict the impact of this variant on CACNA1C protein function. In summary, the available evidence is currently insufficient to determine the role of this variant in disease. Therefore, it has been classified as a Variant of Uncertain Significance.

NM_000719.7(CACNA1C):c.1519C>T (p.Arg507Cys)

Gene: CACNA1C (calcium voltage-gated channel subunit alpha1 C; plus strand). Cytogenetic location: 12p13.33.
Variant type: single nucleotide variant.
Coding change: c.1519C>T on transcript NM_000719.7 (MANE Select); coding-DNA position 1519, C replaced by T.
Protein change: p.Arg507Cys; replaces arginine 507 with cysteine.
Molecular consequence: missense variant.
Genome position (GRCh38, 1-based): chr12:2,566,432, C>T. VCF-style: chr12-2566432-C-T. GRCh37 (hg19) VCF-style: chr12-2675598-C-T.
Other names: c.1519C>T, p.Arg507Cys (NM_001129827.2, NM_001129829.2, NM_001129830.3 and 18 more transcripts); c.1510C>T, p.Arg504Cys (NM_001129844.2); short protein forms R507C, R504C.
Identifiers: ClinVar variation 2191044 (VCV002191044.4), dbSNP rs1416110017, ClinGen allele CA383368405.